The following is an entry in ClinVar:

ClinVar aggregate classification (germline): Uncertain significance. Review status: criteria provided, multiple submitters, no conflicts (2 of 4 stars). 2 submissions from 2 submitters: Uncertain significance (2). Last evaluated 2025-09-29.

Allele frequency attached by ClinVar (database versions not stated): ExAC 0.00004.
gnomAD v4.1: 16 of 1,612,214 alleles (0.00099%); highest among the groups gnomAD compares: Non-Finnish European, 0.0014%; no homozygotes.

Submissions (2):

Labcorp Genetics (formerly Invitae), Labcorp
Classification: Uncertain significance. Last evaluated: 2025-09-29. Review status: criteria provided, single submitter. Criteria: Invitae Variant Classification Sherloc (09022015). Collection method: clinical testing. Allele origin: germline.
Comment: This sequence change replaces threonine, which is neutral and polar, with proline, which is neutral and non-polar, at codon 83 of the PITPNM3 protein (p.Thr83Pro). This variant is present in population databases (rs745374862, gnomAD 0.005%). This variant has not been reported in the literature in individuals affected with PITPNM3-related conditions. ClinVar contains an entry for this variant (Variation ID: 2277317). An algorithm developed to predict the effect of missense changes on protein structure and function (PolyPhen-2) suggests that this variant is likely to be tolerated. In summary, the available evidence is currently insufficient to determine the role of this variant in disease. Therefore, it has been classified as a Variant of Uncertain Significance.

Ambry Genetics
Classification: Uncertain significance. Last evaluated: 2022-02-11. Review status: criteria provided, single submitter. Criteria: Ambry Variant Classification Scheme 2023. Collection method: clinical testing. Allele origin: germline.

NM_031220.4(PITPNM3):c.247A>C (p.Thr83Pro)

Gene: PITPNM3 (PITPNM family member 3; minus strand). Cytogenetic location: 17p13.1.
Variant type: single nucleotide variant.
Coding change: c.247A>C on transcript NM_031220.4 (MANE Select); coding-DNA position 247, A replaced by C.
Protein change: p.Thr83Pro; replaces threonine 83 with proline.
Molecular consequence: missense variant.
Genome position (GRCh38, 1-based): chr17:6,503,554, T>G on the plus strand (A>C on the coding strand, the complement: PITPNM3 is on the minus strand). VCF-style: chr17-6503554-T-G. GRCh37 (hg19) VCF-style: chr17-6406874-T-G.
Other names: c.139A>C, p.Thr47Pro (NM_001165966.2); short protein forms T83P, T47P.
Identifiers: ClinVar variation 2277317 (VCV002277317.3), dbSNP rs745374862, ClinGen allele CA8329897.